The following is an entry in ClinVar:

NM_001363711.2(DUOX2):c.3808G>C (p.Val1270Leu)

Gene: DUOX2 (dual oxidase 2; minus strand). Cytogenetic location: 15q21.1.
Variant type: single nucleotide variant.
Coding change: c.3808G>C on transcript NM_001363711.2 (MANE Select); coding-DNA position 3808, G replaced by C.
Protein change: p.Val1270Leu; replaces valine 1270 with leucine.
Molecular consequence: missense variant.
Genome position (GRCh38, 1-based): chr15:45,097,277, C>G on the plus strand (G>C on the coding strand, the complement: DUOX2 is on the minus strand). VCF-style: chr15-45097277-C-G. GRCh37 (hg19) VCF-style: chr15-45389475-C-G.
Other names: c.3808G>C, p.Val1270Leu (NM_014080.5); short protein forms V1270L.
Identifiers: ClinVar variation 1307209 (VCV001307209.2), dbSNP rs943016066, ClinGen allele CA392254681.

ClinVar aggregate classification (germline): Uncertain significance (1 of 4 stars; one submission).

Submission:

GeneDx
Classification: Uncertain significance. Last evaluated: 2019-08-08. Review status: criteria provided, single submitter. Criteria: GeneDx Variant Classification Process June 2021. Collection method: clinical testing. Allele origin: germline. Affected: yes.
Comment: Not observed in large population cohorts (Lek et al., 2016); In silico analysis, which includes protein predictors and evolutionary conservation, supports that this variant does not alter protein structure/function; Has not been previously published as pathogenic or benign to our knowledge